The following is an entry in ClinVar:

NM_130839.5(UBE3A):c.2155C>T (p.Leu719Phe)

Genes: SNHG14 (small nucleolar RNA host gene 14; plus strand), UBE3A (ubiquitin protein ligase E3A; minus strand). Cytogenetic location: 15q11.2.
Variant type: single nucleotide variant.
Coding change: c.2155C>T on transcript NM_130839.5 (MANE Select); coding-DNA position 2155, C replaced by T.
Protein change: p.Leu719Phe; replaces leucine 719 with phenylalanine.
Molecular consequence: missense variant. On other transcripts: non-coding transcript variant (1), intron variant (3).
Genome position (GRCh38, 1-based): chr15:25,354,653, G>A on the plus strand (C>T on the coding strand, the complement: UBE3A is on the minus strand). VCF-style: chr15-25354653-G-A. GRCh37 (hg19) VCF-style: chr15-25599800-G-A.
Other names: c.2164C>T, p.Leu722Phe (NM_000462.5); c.2155C>T, p.Leu719Phe (NM_001354505.1, NM_001354538.2); c.2095C>T, p.Leu699Phe (NM_001354506.2, NM_001354507.2, NM_001354508.2 and 14 more transcripts); c.1978C>T, p.Leu660Phe (NM_001354546.2); c.1930C>T, p.Leu644Phe (NM_001354549.2); c.904C>T, p.Leu302Phe (NM_001354550.2); c.844C>T, p.Leu282Phe (NM_001354551.2); c.2065-227C>T (NM_001354548.2, NM_001354547.2); and 1 more; short protein forms L282F, L302F, L644F, L660F, L699F, L719F, L722F.
Identifiers: ClinVar variation 1013056 (VCV001013056.38), dbSNP rs2076977707, ClinGen allele CA391351887.
Genomic context (GRCh38, chr15:25,354,653, plus strand): 5'-TGGTCACCATATGAAAACCTCTCCGAAAAGCCTTGAACTGTTTTTCTACTGATTTATTGA[G>A]AATGTAGTCAGAATAAAGATTGACAAATTCCTGTAGAAAACATTAATCACAAGAACTTCT-3'
Protein context (NP_570854.1, residues 709-729): EFVNLYSDYI[Leu719Phe]NKSVEKQFKA

ClinVar aggregate classification (germline): Uncertain significance (1 of 4 stars; one submission).

Submission:

CeGaT Center for Human Genetics Tuebingen
Classification: Uncertain significance. Last evaluated: 2022-03-01. Review status: criteria provided, single submitter. Criteria: CeGaT Center For Human Genetics Tuebingen Variant Classification Criteria Version 2. Collection method: clinical testing. Allele origin: germline. Affected: yes. Observed: 2 variant alleles.
Comment: UBE3A: PM2, PP2